The following is an entry in ClinVar:

NM_001292063.2(OTOG):c.5818C>T (p.His1940Tyr)

Gene: OTOG (otogelin; plus strand). Cytogenetic location: 11p15.1.
Variant type: single nucleotide variant.
Coding change: c.5818C>T on transcript NM_001292063.2 (MANE Select); coding-DNA position 5818, C replaced by T.
Protein change: p.His1940Tyr; replaces histidine 1940 with tyrosine.
Molecular consequence: missense variant.
Genome position (GRCh38, 1-based): chr11:17,611,118, C>T. VCF-style: chr11-17611118-C-T. GRCh37 (hg19) VCF-style: chr11-17632665-C-T.
Other names: c.5854C>T, p.His1952Tyr (NM_001277269.2); short protein forms H1952Y, H1940Y.
Identifiers: ClinVar variation 2064004 (VCV002064004.4), dbSNP rs748280789, ClinGen allele CA218477005.
Genomic context (GRCh38, chr11:17,611,118, plus strand): 5'-CCCACTTCCATGTATGGTTCTGCAGAGGGTGGGCCCACAGAGCTCACGCCTGCTACGAGC[C>T]ACCCTCTCACGCCCTTGGTGGCTGAGCCCGAGGGAGCCCAGGCAGGCACAGCTCTGCCAG-3'
Protein context (NP_001278992.1, residues 1930-1950): GPTELTPATS[His1940Tyr]PLTPLVAEPE

ClinVar aggregate classification (germline): Uncertain significance (1 of 4 stars; one submission).

Allele frequency attached by ClinVar (database versions not stated): gnomAD exomes below 0.00001; TOPMed below 0.00001.
gnomAD v4.1: 6 of 1,550,568 alleles (0.00039%); highest among the groups gnomAD compares: Non-Finnish European, 0.00052%; no homozygotes.

Submission:

Labcorp Genetics (formerly Invitae), Labcorp
Classification: Uncertain significance. Last evaluated: 2023-11-28. Review status: criteria provided, single submitter. Criteria: Invitae Variant Classification Sherloc (09022015). Collection method: clinical testing. Allele origin: germline.
Comment: This sequence change replaces histidine, which is basic and polar, with tyrosine, which is neutral and polar, at codon 1952 of the OTOG protein (p.His1952Tyr). This variant is present in population databases (rs748280789, gnomAD 0.004%). This variant has not been reported in the literature in individuals affected with OTOG-related conditions. ClinVar contains an entry for this variant (Variation ID: 2064004). An algorithm developed to predict the effect of missense changes on protein structure and function (PolyPhen-2) suggests that this variant is likely to be tolerated. In summary, the available evidence is currently insufficient to determine the role of this variant in disease. Therefore, it has been classified as a Variant of Uncertain Significance.